The following is an entry in ClinVar:

NM_001009944.3(PKD1):c.12095G>T (p.Gly4032Val)

Gene: PKD1 (polycystin 1, transient receptor potential channel interacting; minus strand). Cytogenetic location: 16p13.3.
Variant type: single nucleotide variant.
Coding change: c.12095G>T on transcript NM_001009944.3 (MANE Select); coding-DNA position 12095, G replaced by T.
Protein change: p.Gly4032Val; replaces glycine 4032 with valine.
Molecular consequence: missense variant.
Genome position (GRCh38, 1-based): chr16:2,090,717, C>A on the plus strand (G>T on the coding strand, the complement: PKD1 is on the minus strand). VCF-style: chr16-2090717-C-A. GRCh37 (hg19) VCF-style: chr16-2140718-C-A.
Other names: c.12092G>T, p.Gly4031Val (NM_000296.4); c.12095G>T (NM_001009944.2); short protein forms G4032V, G4031V.
Identifiers: ClinVar variation 805145 (VCV000805145.3), dbSNP rs142768096, ClinGen allele CA7828834.

ClinVar aggregate classification (germline): Conflicting classifications of pathogenicity. Review status: criteria provided, conflicting classifications (1 of 4 stars). 3 submissions from 3 submitters: Uncertain significance (1); Likely benign (2). Last evaluated 2025-02-26.

Conditions:
Polycystic kidney disease, adult type (PKD1). Also called: Polycystic Kidney Disease 1, Autosomal Dominant; Polycystic kidney disease 1; Polycystic kidney disease 1, severe; POLYCYSTIC KIDNEY DISEASE, ADULT, TYPE I; Polycystic Kidney, Autosomal Dominant; POLYCYSTIC KIDNEY DISEASE 1 WITH OR WITHOUT POLYCYSTIC LIVER DISEASE. Identifiers: MedGen C3149841, MONDO:0008263, OMIM 173900.
PKD1-related disorder. Also called: PKD1-related condition.

Allele frequency attached by ClinVar (database versions not stated): 1000 Genomes Project 0.00020; TOPMed 0.00024; 1000 Genomes Project 30x 0.00031; ESP Exome Variant Server 0.00039.
gnomAD v4.1: 71 of 1,612,534 alleles (0.0044%); highest among the groups gnomAD compares: African/African-American, 0.091%; no homozygotes.

Submissions (3):

PreventionGenetics, part of Exact Sciences
Classification: Likely benign for PKD1-related condition. Last evaluated: 2025-02-26. Review status: criteria provided, single submitter. Criteria: ACMG Guidelines, 2015. Collection method: clinical testing. Allele origin: germline.
Comment: This variant is classified as likely benign based on ACMG/AMP sequence variant interpretation guidelines (Richards et al. 2015 PMID: 25741868, with internal and published modifications).

Fulgent Genetics
Classification: Likely benign for Polycystic kidney disease, adult type. Last evaluated: 2024-04-30. Review status: criteria provided, single submitter. Criteria: ACMG Guidelines, 2015. Collection method: clinical testing. Allele origin: germline.

Athena Diagnostics
Classification: Uncertain significance. Last evaluated: 2018-10-16. Review status: criteria provided, single submitter. Criteria: Athena Diagnostics Criteria. Collection method: clinical testing. Allele origin: germline.